The following is an entry in ClinVar:

ClinVar aggregate classification (germline): Uncertain significance (1 of 4 stars; one submission).

Conditions:
Inborn genetic diseases. Identifiers: MedGen C0950123, MeSH D030342.

Allele frequency attached by ClinVar (database versions not stated): gnomAD exomes below 0.00001; ExAC 0.00002.
gnomAD v4.1: 5 of 1,613,932 alleles (0.00031%); highest among the groups gnomAD compares: Non-Finnish European, 0.00042%; no homozygotes.

Submission:

Ambry Genetics
Classification: Uncertain significance for Inborn genetic diseases. Last evaluated: 2023-01-19. Review status: criteria provided, single submitter. Criteria: Ambry Variant Classification Scheme 2023. Collection method: clinical testing. Allele origin: germline.
Comment: The p.I462V variant (also known as c.1384A>G), located in coding exon 1 of the CHD7 gene, results from an A to G substitution at nucleotide position 1384. The isoleucine at codon 462 is replaced by valine, an amino acid with highly similar properties. This amino acid position is conserved. In addition, this alteration is predicted to be tolerated by in silico analysis. Since supporting evidence is limited at this time, the clinical significance of this alteration remains unclear.

NM_017780.4(CHD7):c.1384A>G (p.Ile462Val)

Gene: CHD7 (chromodomain helicase DNA binding protein 7; plus strand). Cytogenetic location: 8q12.2.
Variant type: single nucleotide variant.
Coding change: c.1384A>G on transcript NM_017780.4 (MANE Select); coding-DNA position 1384, A replaced by G.
Protein change: p.Ile462Val; replaces isoleucine 462 with valine.
Molecular consequence: missense variant.
Genome position (GRCh38, 1-based): chr8:60,742,816, A>G. VCF-style: chr8-60742816-A-G. GRCh37 (hg19) VCF-style: chr8-61655375-A-G.
Other names: c.1384A>G, p.Ile462Val (NM_001316690.1); short protein forms I462V.
Identifiers: ClinVar variation 2450722 (VCV002450722.2), dbSNP rs758801802, ClinGen allele CA4759484.